The following is an entry in ClinVar:

NM_001868.4(CPA1):c.1117A>T (p.Ile373Phe)

Gene: CPA1 (carboxypeptidase A1; plus strand). Cytogenetic location: 7q32.2.
Variant type: single nucleotide variant.
Coding change: c.1117A>T on transcript NM_001868.4 (MANE Select); coding-DNA position 1117, A replaced by T.
Protein change: p.Ile373Phe; replaces isoleucine 373 with phenylalanine.
Molecular consequence: missense variant.
Genome position (GRCh38, 1-based): chr7:130,387,868, A>T. VCF-style: chr7-130387868-A-T. GRCh37 (hg19) VCF-style: chr7-130027709-A-T.
Other names: short protein forms I373F.
Identifiers: ClinVar variation 1796503 (VCV001796503.2), dbSNP rs2536015271, ClinGen allele CA369284273.

ClinVar aggregate classification (germline): Uncertain significance (1 of 4 stars; one submission).

Conditions:
Hereditary pancreatitis (PCTT). Also called: Hereditary chronic pancreatitis; PRSS1-Related Hereditary Pancreatitis. Identifiers: Orphanet 676, MedGen C0238339, MONDO:0008185, OMIM 167800.

Submission:

Ambry Genetics
Classification: Uncertain significance for Hereditary pancreatitis. Last evaluated: 2021-07-21. Review status: criteria provided, single submitter. Criteria: Ambry Variant Classification Scheme 2023. Collection method: clinical testing. Allele origin: germline.
Comment: The p.I373F variant (also known as c.1117A>T), located in coding exon 10 of the CPA1 gene, results from an A to T substitution at nucleotide position 1117. The isoleucine at codon 373 is replaced by phenylalanine, an amino acid with highly similar properties. This amino acid position is conserved. In addition, the in silico prediction for this alteration is inconclusive. Since supporting evidence is limited at this time, the clinical significance of this alteration remains unclear.